The following is an entry in ClinVar:

NM_005876.5(SPEG):c.569G>A (p.Ser190Asn)

Gene: SPEG (striated muscle enriched protein kinase; plus strand). Cytogenetic location: 2q35.
Variant type: single nucleotide variant.
Coding change: c.569G>A on transcript NM_005876.5 (MANE Select); coding-DNA position 569, G replaced by A.
Protein change: p.Ser190Asn; replaces serine 190 with asparagine.
Molecular consequence: missense variant.
Genome position (GRCh38, 1-based): chr2:219,444,915, G>A. VCF-style: chr2-219444915-G-A. GRCh37 (hg19) VCF-style: chr2-220309637-G-A.
Other names: short protein forms S190N.
Identifiers: ClinVar variation 1900592 (VCV001900592.2), dbSNP rs897545621, ClinGen allele CA66001770.

ClinVar aggregate classification (germline): Uncertain significance (1 of 4 stars; one submission).

Allele frequency attached by ClinVar (database versions not stated): gnomAD 0.00001; gnomAD exomes 0.00001; TOPMed 0.00003.
gnomAD v4.1: 10 of 1,576,336 alleles (0.00063%); highest among the groups gnomAD compares: Non-Finnish European, 0.00086%; no homozygotes.

Submission:

Labcorp Genetics (formerly Invitae), Labcorp
Classification: Uncertain significance. Last evaluated: 2022-02-04. Review status: criteria provided, single submitter. Criteria: Invitae Variant Classification Sherloc (09022015). Collection method: clinical testing. Allele origin: germline.
Comment: This sequence change replaces serine, which is neutral and polar, with asparagine, which is neutral and polar, at codon 190 of the SPEG protein (p.Ser190Asn). This variant is not present in population databases (gnomAD no frequency). This variant has not been reported in the literature in individuals affected with SPEG-related conditions. Algorithms developed to predict the effect of missense changes on protein structure and function are either unavailable or do not agree on the potential impact of this missense change (SIFT: "Deleterious"; PolyPhen-2: "Benign"; Align-GVGD: "Class C0"). In summary, the available evidence is currently insufficient to determine the role of this variant in disease. Therefore, it has been classified as a Variant of Uncertain Significance.